The following is an entry in ClinVar:

ClinVar aggregate classification (germline): Uncertain significance (1 of 4 stars; one submission).

Submission:

Labcorp Genetics (formerly Invitae), Labcorp
Classification: Uncertain significance. Last evaluated: 2024-01-19. Review status: criteria provided, single submitter. Criteria: Invitae Variant Classification Sherloc (09022015). Collection method: clinical testing. Allele origin: germline.
Comment: This sequence change replaces glutamic acid, which is acidic and polar, with glutamine, which is neutral and polar, at codon 54 of the ABRAXAS1 protein (p.Glu54Gln). This variant is not present in population databases (gnomAD no frequency). This variant has not been reported in the literature in individuals affected with ABRAXAS1-related conditions. Advanced modeling of protein sequence and biophysical properties (such as structural, functional, and spatial information, amino acid conservation, physicochemical variation, residue mobility, and thermodynamic stability) performed at Invitae indicates that this missense variant is not expected to disrupt ABRAXAS1 protein function with a negative predictive value of 80%. In summary, the available evidence is currently insufficient to determine the role of this variant in disease. Therefore, it has been classified as a Variant of Uncertain Significance.

NM_139076.3(ABRAXAS1):c.160G>C (p.Glu54Gln)

Gene: ABRAXAS1 (abraxas 1, BRCA1 A complex subunit; minus strand). Cytogenetic location: 4q21.23.
Variant type: single nucleotide variant.
Coding change: c.160G>C on transcript NM_139076.3 (MANE Select); coding-DNA position 160, G replaced by C.
Protein change: p.Glu54Gln; replaces glutamic acid 54 with glutamine.
Molecular consequence: missense variant. On other transcripts: 5 prime UTR variant (1).
Genome position (GRCh38, 1-based): chr4:83,482,172, C>G on the plus strand (G>C on the coding strand, the complement: ABRAXAS1 is on the minus strand). VCF-style: chr4-83482172-C-G. GRCh37 (hg19) VCF-style: chr4-84403325-C-G.
Other names: c.-101G>C (NM_001345962.2); short protein forms E54Q.
Identifiers: ClinVar variation 2975540 (VCV002975540.3), dbSNP rs2529465211, ClinGen allele CA357263205.